The following is an entry in ClinVar:

NM_001142864.4(PIEZO1):c.5987C>A (p.Ser1996Ter)

Gene: PIEZO1 (piezo type mechanosensitive ion channel component 1 (Er blood group); minus strand). Cytogenetic location: 16q24.3.
Variant type: single nucleotide variant.
Coding change: c.5987C>A on transcript NM_001142864.4 (MANE Select); coding-DNA position 5987, C replaced by A.
Protein change: p.Ser1996Ter; replaces serine 1996 with a stop codon.
Molecular consequence: nonsense.
Genome position (GRCh38, 1-based): chr16:88,720,246, G>T on the plus strand (C>A on the coding strand, the complement: PIEZO1 is on the minus strand). VCF-style: chr16-88720246-G-T. GRCh37 (hg19) VCF-style: chr16-88786654-G-T.
Other names: short protein forms S1996*.
Identifiers: ClinVar variation 4056811 (VCV004056811.1).

ClinVar aggregate classification (germline): Likely pathogenic (1 of 4 stars; one submission).

Conditions:
Lymphatic malformation 6 (LMPHM6). Also called: GENERALIZED LYMPHATIC DYSPLASIA OF FOTIOU; Lymphedema, hereditary, III; PIEZO1-related generalized lymphatic dysplasia with non-immune hydrops fetalis. Identifiers: Orphanet 568062, MedGen C4225184, MONDO:0014797, OMIM 616843.

Submission:

Department of Medical Genetics, Sanjay Gandhi Post Graduate Institute of Medical Sciences
Classification: Likely pathogenic for Lymphatic malformation 6. Last evaluated: 2022-07-07. Review status: criteria provided, single submitter. Criteria: ACMG Guidelines, 2015. Collection method: research. Allele origin: biparental. Inheritance: Autosomal recessive inheritance. Affected: yes. Observed: 1 compound heterozygote.
Comment: This novel heterozygous variant in exon 42 of PIEZO1 gene c.5987 predicted loss of function mutation at p.Ser1996X. ACMG classification as likely pathogenic (PVS1, PM2).

Literature cited by the submitters: PubMed 33837027.